The following is an entry in ClinVar:

NM_130837.3(OPA1):c.2125G>T (p.Asp709Tyr)

Gene: OPA1 (OPA1 mitochondrial dynamin like GTPase; plus strand). Cytogenetic location: 3q29.
Variant type: single nucleotide variant.
Coding change: c.2125G>T on transcript NM_130837.3 (MANE Select); coding-DNA position 2125, G replaced by T.
Protein change: p.Asp709Tyr; replaces aspartic acid 709 with tyrosine.
Molecular consequence: missense variant.
Genome position (GRCh38, 1-based): chr3:193,654,974, G>T. VCF-style: chr3-193654974-G-T. GRCh37 (hg19) VCF-style: chr3-193372763-G-T.
Other names: c.1591G>T, p.Asp531Tyr (NM_001354663.2); c.1588G>T, p.Asp530Tyr (NM_001354664.2); c.1960G>T, p.Asp654Tyr (NM_015560.3); c.1852G>T, p.Asp618Tyr (NM_130831.3); c.1906G>T, p.Asp636Tyr (NM_130832.3); c.1963G>T, p.Asp655Tyr (NM_130833.3); c.2014G>T, p.Asp672Tyr (NM_130834.3); c.2017G>T, p.Asp673Tyr (NM_130835.3); and 1 more; short protein forms D530Y, D531Y, D618Y, D636Y, D654Y, D655Y, D672Y, D673Y.
Identifiers: ClinVar variation 3764187 (VCV003764187.1).

ClinVar aggregate classification (germline): Uncertain significance (1 of 4 stars; one submission).

Submission:

GeneDx
Classification: Uncertain significance. Last evaluated: 2024-08-20. Review status: criteria provided, single submitter. Criteria: GeneDx Variant Classification Process June 2021. Collection method: clinical testing. Allele origin: germline. Affected: yes.
Comment: Observed with another OPA1 variant in an individual in published literature with optic atrophy, but detailed clinical information was not provided and it is not known whether the variants occurred on the same (in cis) or on different (in trans) chromosomes (PMID: 33841295); Reported de novo in a proband in published literature with autism spectrum disorder, but detailed clinical information was not provided (PMID: 35982159); Not observed at significant frequency in large population cohorts (gnomAD); In silico analysis supports that this missense variant has a deleterious effect on protein structure/function; This variant is associated with the following publications: (PMID: 35982159, 35982160, 33841295)